The following is an entry in ClinVar:

ClinVar aggregate classification (germline): Uncertain significance (1 of 4 stars; one submission).

gnomAD v4.1: 2 of 1,201,309 alleles (0.00017%); highest among the groups gnomAD compares: Non-Finnish European, 0.00023%; no homozygotes.

Submission:

Labcorp Genetics (formerly Invitae), Labcorp
Classification: Uncertain significance. Last evaluated: 2023-09-29. Review status: criteria provided, single submitter. Criteria: Invitae Variant Classification Sherloc (09022015). Collection method: clinical testing. Allele origin: germline.
Comment: This sequence change replaces valine, which is neutral and non-polar, with phenylalanine, which is neutral and non-polar, at codon 440 of the MBTPS2 protein (p.Val440Phe). This variant is not present in population databases (gnomAD no frequency). This variant has not been reported in the literature in individuals affected with MBTPS2-related conditions. Advanced modeling of protein sequence and biophysical properties (such as structural, functional, and spatial information, amino acid conservation, physicochemical variation, residue mobility, and thermodynamic stability) performed at Invitae indicates that this missense variant is not expected to disrupt MBTPS2 protein function. In summary, the available evidence is currently insufficient to determine the role of this variant in disease. Therefore, it has been classified as a Variant of Uncertain Significance.

NM_015884.4(MBTPS2):c.1318G>T (p.Val440Phe)

Gene: MBTPS2 (membrane bound transcription factor peptidase, site 2; plus strand). Cytogenetic location: Xp22.12.
Variant type: single nucleotide variant.
Coding change: c.1318G>T on transcript NM_015884.4 (MANE Select); coding-DNA position 1318, G replaced by T.
Protein change: p.Val440Phe; replaces valine 440 with phenylalanine.
Molecular consequence: missense variant.
Genome position (GRCh38, 1-based): chrX:21,880,953, G>T. VCF-style: chrX-21880953-G-T. GRCh37 (hg19) VCF-style: chrX-21899071-G-T.
Other names: short protein forms V440F.
Identifiers: ClinVar variation 2806015 (VCV002806015.3), dbSNP rs2519590783, ClinGen allele CA412570045.